The following is an entry in ClinVar:

ClinVar aggregate classification (germline): Uncertain significance. Review status: criteria provided, multiple submitters, no conflicts (2 of 4 stars). 3 submissions from 3 submitters: Uncertain significance (3). Last evaluated 2025-08-09.

Conditions:
Hereditary cancer-predisposing syndrome. Also called: Tumor predisposition; Hereditary neoplastic syndrome; Neoplastic Syndromes, Hereditary; Hereditary Cancer Syndrome. Identifiers: Orphanet 140162, MedGen C0027672, MeSH D009386, MONDO:0015356.
Parathyroid carcinoma (PRTC). Also called: Parathyroid gland carcinoma; CDC73-Related Parathyroid Carcinoma. Identifiers: Orphanet 143, MedGen C0687150, MONDO:0012004, OMIM 608266, HP:0006780.

Allele frequency attached by ClinVar (database versions not stated): gnomAD exomes below 0.00001; gnomAD 0.00001; TOPMed 0.00002.
gnomAD v4.1: 5 of 1,613,424 alleles (0.00031%); highest among the groups gnomAD compares: African/African-American, 0.0027%; no homozygotes.

Submissions (3):

Labcorp Genetics (formerly Invitae), Labcorp
Classification: Uncertain significance for Parathyroid carcinoma. Last evaluated: 2025-08-09. Review status: criteria provided, single submitter. Criteria: Invitae Variant Classification Sherloc (09022015). Collection method: clinical testing. Allele origin: germline.
Comment: This sequence change replaces proline, which is neutral and non-polar, with leucine, which is neutral and non-polar, at codon 265 of the CDC73 protein (p.Pro265Leu). This variant is present in population databases (no rsID available, gnomAD 0.007%). This variant has not been reported in the literature in individuals affected with CDC73-related conditions. ClinVar contains an entry for this variant (Variation ID: 950103). Invitae Evidence Modeling of protein sequence and biophysical properties (such as structural, functional, and spatial information, amino acid conservation, physicochemical variation, residue mobility, and thermodynamic stability) indicates that this missense variant is not expected to disrupt CDC73 protein function with a negative predictive value of 80%. In summary, the available evidence is currently insufficient to determine the role of this variant in disease. Therefore, it has been classified as a Variant of Uncertain Significance.

GeneDx
Classification: Uncertain significance. Last evaluated: 2023-12-20. Review status: criteria provided, single submitter. Criteria: GeneDx Variant Classification Process June 2021. Collection method: clinical testing. Allele origin: germline. Affected: yes.
Comment: Not observed at significant frequency in large population cohorts (gnomAD); In silico analysis supports that this missense variant does not alter protein structure/function; Has not been previously published as pathogenic or benign to our knowledge; This variant is associated with the following publications: (PMID: 15923622, 15632063)

Ambry Genetics
Classification: Uncertain significance for Hereditary cancer-predisposing syndrome. Last evaluated: 2022-10-06. Review status: criteria provided, single submitter. Criteria: Ambry Variant Classification Scheme 2023. Collection method: clinical testing. Allele origin: germline.
Comment: The p.P265L variant (also known as c.794C>T), located in coding exon 8 of the CDC73 gene, results from a C to T substitution at nucleotide position 794. The proline at codon 265 is replaced by leucine, an amino acid with similar properties. This amino acid position is conserved. In addition, this alteration is predicted to be tolerated by in silico analysis. Since supporting evidence is limited at this time, the clinical significance of this alteration remains unclear.

NM_024529.5(CDC73):c.794C>T (p.Pro265Leu)

Gene: CDC73 (cell division cycle 73; plus strand). Cytogenetic location: 1q31.2.
Variant type: single nucleotide variant.
Coding change: c.794C>T on transcript NM_024529.5 (MANE Select); coding-DNA position 794, C replaced by T.
Protein change: p.Pro265Leu; replaces proline 265 with leucine.
Molecular consequence: missense variant.
Genome position (GRCh38, 1-based): chr1:193,147,931, C>T. VCF-style: chr1-193147931-C-T. GRCh37 (hg19) VCF-style: chr1-193117061-C-T.
Other names: short protein forms P265L.
Identifiers: ClinVar variation 950103 (VCV000950103.13), dbSNP rs1335804597, ClinGen allele CA343964092.
Genomic context (GRCh38, chr1:193,147,931, plus strand): 5'-TTTCCAAGAACATTTTTGCAATTCTTCAATCTGTAAAAGCCAGAGAAGAAGGGCGTGCAC[C>T]TGAACAGCGACCTGCCCCAAATGCAGCACCTGTGGTAAGAATGCTTTACTGCTTTACAGT-3'
Protein context (NP_078805.3, residues 255-275): SVKAREEGRA[Pro265Leu]EQRPAPNAAP